The following is an entry in ClinVar:

NM_000368.5(TSC1):c.364-3C>T

Gene: TSC1 (TSC complex subunit 1; minus strand). Cytogenetic location: 9q34.13.
Variant type: single nucleotide variant.
Coding change: c.364-3C>T on transcript NM_000368.5 (MANE Select); 3 bases into the intron before coding-DNA position 364, C replaced by T.
Molecular consequence: intron variant.
Genome position (GRCh38, 1-based): chr9:132,923,495, G>A on the plus strand (C>T on the coding strand, the complement: TSC1 is on the minus strand). VCF-style: chr9-132923495-G-A. GRCh37 (hg19) VCF-style: chr9-135798882-G-A.
Other names: c.1-3C>T (NM_001406620.1, NM_001406618.1, NM_001406625.1 and 10 more transcripts); c.211-3C>T (NM_001406613.1, NM_001406612.1, NM_001406610.1 and 2 more transcripts); c.-514-3C>T (NM_001406627.1, NM_001406628.1, NM_001406626.1); c.-656-3C>T (NM_001406629.1); c.364-3C>T (NM_001406603.1, NM_001406609.1, NM_001406597.1 and 16 more transcripts); c.-730-3C>T (NM_001406630.1).
Identifiers: ClinVar variation 3329418 (VCV003329418.1).

ClinVar aggregate classification (germline): Uncertain significance (1 of 4 stars; one submission).

Conditions:
Hereditary cancer-predisposing syndrome. Also called: Neoplastic Syndromes, Hereditary; Tumor predisposition; Hereditary neoplastic syndrome; Hereditary Cancer Syndrome. Identifiers: Orphanet 140162, MedGen C0027672, MeSH D009386, MONDO:0015356.

Submission:

Ambry Genetics
Classification: Uncertain significance for Hereditary cancer-predisposing syndrome. Last evaluated: 2024-05-14. Review status: criteria provided, single submitter. Criteria: Ambry Variant Classification Scheme 2023. Collection method: clinical testing. Allele origin: germline.
Comment: The c.364-3C>T intronic variant results from a C to T substitution 3 nucleotides upstream from coding exon 4 in the TSC1 gene. This nucleotide position is well conserved in available vertebrate species. In silico splice site analysis for this alteration is inconclusive. Based on the available evidence, the clinical significance of this variant remains unclear.